The following is an entry in ClinVar:

ClinVar aggregate classification (germline): Uncertain significance. Review status: criteria provided, multiple submitters, no conflicts (2 of 4 stars). 2 submissions from 2 submitters: Uncertain significance (2). Last evaluated 2024-12-19.

Conditions:
DICER1-related tumor predisposition. Also called: DICER1 syndrome; DICER1-related pleuropulmonary blastoma cancer predisposition syndrome. Identifiers: Orphanet 284343, MedGen C3839822, MONDO:0100216.
Hereditary cancer-predisposing syndrome. Also called: Hereditary neoplastic syndrome; Tumor predisposition; Neoplastic Syndromes, Hereditary; Hereditary Cancer Syndrome. Identifiers: Orphanet 140162, MedGen C0027672, MeSH D009386, MONDO:0015356.

Allele frequency attached by ClinVar (database versions not stated): TOPMed below 0.00001; gnomAD 0.00001.
gnomAD v4.1: 1 of 1,613,000 alleles (0.000062%); highest among the groups gnomAD compares: African/African-American, 0.0013%; no homozygotes.

Submissions (2):

Labcorp Genetics (formerly Invitae), Labcorp
Classification: Uncertain significance for DICER1-related tumor predisposition. Last evaluated: 2024-12-19. Review status: criteria provided, single submitter. Criteria: Invitae Variant Classification Sherloc (09022015). Collection method: clinical testing. Allele origin: germline.
Comment: This sequence change replaces aspartic acid, which is acidic and polar, with glycine, which is neutral and non-polar, at codon 575 of the DICER1 protein (p.Asp575Gly). This variant is not present in population databases (gnomAD no frequency). This variant has not been reported in the literature in individuals affected with DICER1-related conditions. ClinVar contains an entry for this variant (Variation ID: 859747). Invitae Evidence Modeling of protein sequence and biophysical properties (such as structural, functional, and spatial information, amino acid conservation, physicochemical variation, residue mobility, and thermodynamic stability) indicates that this missense variant is not expected to disrupt DICER1 protein function with a negative predictive value of 95%. In summary, the available evidence is currently insufficient to determine the role of this variant in disease. Therefore, it has been classified as a Variant of Uncertain Significance.

Ambry Genetics
Classification: Uncertain significance for Hereditary cancer-predisposing syndrome. Last evaluated: 2024-05-05. Review status: criteria provided, single submitter. Criteria: Ambry Variant Classification Scheme 2023. Collection method: clinical testing. Allele origin: germline.
Comment: The p.D575G variant (also known as c.1724A>G), located in coding exon 9 of the DICER1 gene, results from an A to G substitution at nucleotide position 1724. The aspartic acid at codon 575 is replaced by glycine, an amino acid with similar properties. This amino acid position is conserved. In addition, the in silico prediction for this alteration is inconclusive. Based on the available evidence, the clinical significance of this variant remains unclear.

NM_177438.3(DICER1):c.1724A>G (p.Asp575Gly)

Gene: DICER1 (dicer 1, ribonuclease III; minus strand). Cytogenetic location: 14q32.13.
Variant type: single nucleotide variant.
Coding change: c.1724A>G on transcript NM_177438.3 (MANE Select); coding-DNA position 1724, A replaced by G.
Protein change: p.Asp575Gly; replaces aspartic acid 575 with glycine.
Molecular consequence: missense variant.
Genome position (GRCh38, 1-based): chr14:95,116,481, T>C on the plus strand (A>G on the coding strand, the complement: DICER1 is on the minus strand). VCF-style: chr14-95116481-T-C. GRCh37 (hg19) VCF-style: chr14-95582818-T-C.
Other names: c.1724A>G, p.Asp575Gly (NM_001195573.1, NM_001271282.3, NM_001291628.2 and 1 more transcripts); short protein forms D575G.
Identifiers: ClinVar variation 859747 (VCV000859747.12), dbSNP rs1892479531, ClinGen allele CA390884704.
Genomic context (GRCh38, chr14:95,116,481, plus strand): 5'-TCTGCCGGCACATGTTAATATGTTGATCTTACCTTTTCAATAGCTTTGTAGGTTTTAAGG[T>C]CTTCTTCAAAACTTTTTATTTTGTCTGTATCCGCTAACATTATATAATTAGAGATGGGTG-3'
Protein context (NP_803187.1, residues 565-585): DTDKIKSFEE[Asp575Gly]LKTYKAIEKI